The following is an entry in ClinVar:

NM_000090.4(COL3A1):c.2150_2152del (p.Gly717del)

Gene: COL3A1 (collagen type III alpha 1 chain; plus strand). Cytogenetic location: 2q32.2.
Variant type: Deletion.
Coding change: c.2150_2152del on transcript NM_000090.4 (MANE Select); coding-DNA positions 2150 to 2152, 3 bases deleted (GTG; older notation c.2150_2152delGTG).
Protein change: p.Gly717del; deletes glycine 717.
Molecular consequence: inframe deletion.
Genome position (GRCh38, 1-based): chr2:188,999,498-188,999,500, GTG deleted; deleting any 3 consecutive bases within chr2:188,999,496-188,999,500 gives the same sequence; the c. name uses the placement nearest the transcript's 3' end. VCF-style (leftmost placement, unchanged base first): chr2-188999495-CTGG-C. GRCh37 (hg19) VCF-style: chr2-189864221-CTGG-C.
Other names: short protein forms G717del.
Identifiers: ClinVar variation 4534828 (VCV004534828.6).

ClinVar aggregate classification (germline): Likely pathogenic (1 of 4 stars; one submission).

Submission:

CeGaT Center for Human Genetics Tuebingen
Classification: Likely pathogenic. Last evaluated: 2025-10-01. Review status: criteria provided, single submitter. Criteria: CeGaT Center For Human Genetics Tuebingen Variant Classification Criteria Version 2. Collection method: clinical testing. Allele origin: germline. Affected: yes. Observed: 1 variant allele.
Comment: COL3A1: PM1:Strong, PM2, PM4